The following is an entry in ClinVar:

ClinVar aggregate classification (germline): Uncertain significance (1 of 4 stars; one submission).

Conditions:
Hermansky-Pudlak syndrome 2 (HPS2). Also called: Platelet defects and oculocutaneous albinism. Identifiers: Orphanet 183678, Orphanet 79430, MedGen C1842362, MONDO:0011997, OMIM 608233.

gnomAD v4.1: 1 of 1,613,454 alleles (0.000062%); highest among the groups gnomAD compares: Non-Finnish European, 0.000085%; no homozygotes.

Submission:

Labcorp Genetics (formerly Invitae), Labcorp
Classification: Uncertain significance for Hermansky-Pudlak syndrome 2. Last evaluated: 2025-03-22. Review status: criteria provided, single submitter. Criteria: Invitae Variant Classification Sherloc (09022015). Collection method: clinical testing. Allele origin: germline.
Comment: This sequence change replaces proline, which is neutral and non-polar, with serine, which is neutral and polar, at codon 515 of the AP3B1 protein (p.Pro515Ser). This variant is not present in population databases (gnomAD no frequency). This variant has not been reported in the literature in individuals affected with AP3B1-related conditions. An algorithm developed to predict the effect of missense changes on protein structure and function (PolyPhen-2) suggests that this variant is likely to be disruptive. In summary, the available evidence is currently insufficient to determine the role of this variant in disease. Therefore, it has been classified as a Variant of Uncertain Significance.

NM_003664.5(AP3B1):c.1543C>T (p.Pro515Ser)

Gene: AP3B1 (adaptor related protein complex 3 subunit beta 1; minus strand). Cytogenetic location: 5q14.1.
Variant type: single nucleotide variant.
Coding change: c.1543C>T on transcript NM_003664.5 (MANE Select); coding-DNA position 1543, C replaced by T.
Protein change: p.Pro515Ser; replaces proline 515 with serine.
Molecular consequence: missense variant.
Genome position (GRCh38, 1-based): chr5:78,141,250, G>A on the plus strand (C>T on the coding strand, the complement: AP3B1 is on the minus strand). VCF-style: chr5-78141250-G-A. GRCh37 (hg19) VCF-style: chr5-77437074-G-A.
Other names: c.1396C>T, p.Pro466Ser (NM_001271769.2); c.1543C>T, p.Pro515Ser (NM_001410752.1); short protein forms P466S, P515S.
Identifiers: ClinVar variation 4715666 (VCV004715666.1).